The following is an entry in ClinVar:

NM_018706.7(DHTKD1):c.377A>G (p.Tyr126Cys)

Gene: DHTKD1 (dehydrogenase E1 and transketolase domain containing 1; plus strand). Cytogenetic location: 10p14.
Variant type: single nucleotide variant.
Coding change: c.377A>G on transcript NM_018706.7 (MANE Select); coding-DNA position 377, A replaced by G.
Protein change: p.Tyr126Cys; replaces tyrosine 126 with cysteine.
Molecular consequence: missense variant.
Genome position (GRCh38, 1-based): chr10:12,084,606, A>G. VCF-style: chr10-12084606-A-G. GRCh37 (hg19) VCF-style: chr10-12126605-A-G.
Other names: short protein forms Y126C.
Identifiers: ClinVar variation 2904236 (VCV002904236.3), dbSNP rs1158929419, ClinGen allele CA376015961.
Genomic context (GRCh38, chr10:12,084,606, plus strand): 5'-TGAACATGGGGAAGGAAGAGGCCTCACTTGAGGAAGTGTTAGTCTATCTCAATCAAATCT[A>G]CTGTGGGCAGATTTCTATTGAAACCTCCCAACTTCAGAGCCAGGATGAGAAAGACTGGTT-3'
Protein context (NP_061176.4, residues 116-136): EEVLVYLNQI[Tyr126Cys]CGQISIETSQ

ClinVar aggregate classification (germline): Uncertain significance (1 of 4 stars; one submission).

Conditions:
2-aminoadipic 2-oxoadipic aciduria (AAKAD). Also called: Aminoadipic aciduria; ALPHA-AMINOADIPIC AND ALPHA-KETOADIPIC ACIDURIA. Identifiers: Orphanet 79154, MedGen C1859817, MONDO:0008774, OMIM 204750.

Submission:

Labcorp Genetics (formerly Invitae), Labcorp
Classification: Uncertain significance for 2-aminoadipic 2-oxoadipic aciduria. Last evaluated: 2023-10-04. Review status: criteria provided, single submitter. Criteria: Invitae Variant Classification Sherloc (09022015). Collection method: clinical testing. Allele origin: germline.
Comment: This sequence change replaces tyrosine, which is neutral and polar, with cysteine, which is neutral and slightly polar, at codon 126 of the DHTKD1 protein (p.Tyr126Cys). This variant is not present in population databases (gnomAD no frequency). This variant has not been reported in the literature in individuals affected with DHTKD1-related conditions. Advanced modeling of protein sequence and biophysical properties (such as structural, functional, and spatial information, amino acid conservation, physicochemical variation, residue mobility, and thermodynamic stability) performed at Invitae indicates that this missense variant is expected to disrupt DHTKD1 protein function. In summary, the available evidence is currently insufficient to determine the role of this variant in disease. Therefore, it has been classified as a Variant of Uncertain Significance.